The following is an entry in ClinVar:

ClinVar aggregate classification (germline): Uncertain significance (1 of 4 stars; one submission).

Conditions:
Pityriasis rubra pilaris (PRP). Also called: Pityriasis rubra pilaris--familial type. Identifiers: Orphanet 2897, MedGen C0032027, MONDO:0100017, OMIM 173200, MONDO:0008251.
Psoriasis 2. Identifiers: MedGen C1864497, MONDO:0011269, OMIM 602723.

Allele frequency attached by ClinVar (database versions not stated): gnomAD exomes 0.00006 and 0.00001; TOPMed 0.00001; gnomAD 0.00002.
gnomAD v4.1: 96 of 1,613,864 alleles (0.0059%); highest among the groups gnomAD compares: Non-Finnish European, 0.0075%; no homozygotes.

Submission:

Labcorp Genetics (formerly Invitae), Labcorp
Classification: Uncertain significance for Pityriasis rubra pilaris; Psoriasis 2. Last evaluated: 2022-12-03. Review status: criteria provided, single submitter. Criteria: Invitae Variant Classification Sherloc (09022015). Collection method: clinical testing. Allele origin: germline.
Comment: Advanced modeling of protein sequence and biophysical properties (such as structural, functional, and spatial information, amino acid conservation, physicochemical variation, residue mobility, and thermodynamic stability) performed at Invitae indicates that this missense variant is expected to disrupt CARD14 protein function. In summary, the available evidence is currently insufficient to determine the role of this variant in disease. Therefore, it has been classified as a Variant of Uncertain Significance. ClinVar contains an entry for this variant (Variation ID: 655665). This sequence change replaces phenylalanine, which is neutral and non-polar, with isoleucine, which is neutral and non-polar, at codon 649 of the CARD14 protein (p.Phe649Ile). This variant is present in population databases (no rsID available, gnomAD 0.004%). This variant has not been reported in the literature in individuals affected with CARD14-related conditions.

NM_001366385.1(CARD14):c.1945T>A (p.Phe649Ile)

Genes: CARD14 (caspase recruitment domain family member 14; plus strand), SGSH (N-sulfoglucosamine sulfohydrolase; minus strand). Cytogenetic location: 17q25.3.
Variant type: single nucleotide variant.
Coding change: c.1945T>A on transcript NM_001366385.1 (MANE Select); coding-DNA position 1945, T replaced by A.
Protein change: p.Phe649Ile; replaces phenylalanine 649 with isoleucine.
Molecular consequence: missense variant. On other transcripts: non-coding transcript variant (1).
Genome position (GRCh38, 1-based): chr17:80,201,837, T>A. VCF-style: chr17-80201837-T-A. GRCh37 (hg19) VCF-style: chr17-78175636-T-A.
Other names: c.1945T>A, p.Phe649Ile (NM_024110.4, NM_001257970.1); short protein forms F649I.
Identifiers: ClinVar variation 655665 (VCV000655665.9), dbSNP rs954284352, ClinGen allele CA294879348.